The following is an entry in ClinVar:

ClinVar aggregate classification (germline): Conflicting classifications of pathogenicity. Review status: criteria provided, conflicting classifications (1 of 4 stars). 5 submissions from 5 submitters: Uncertain significance (1); Likely benign (3). 1 of the submissions does not count toward it. Last evaluated 2026-01-12.

Conditions:
FZD2-related disorder. Also called: FZD2-related condition.

Allele frequency attached by ClinVar (database versions not stated): gnomAD exomes 0.00114; ExAC 0.00191; 1000 Genomes Project 0.00200; 1000 Genomes Project 30x 0.00203; gnomAD 0.00256 and 0.00269.

Submissions (5):

Labcorp Genetics (formerly Invitae), Labcorp
Classification: Likely benign. Last evaluated: 2026-01-12. Review status: criteria provided, single submitter. Criteria: Invitae Variant Classification Sherloc (09022015). Collection method: clinical testing. Allele origin: germline.

Ambry Genetics
Classification: Uncertain significance. Last evaluated: 2025-08-02. Review status: criteria provided, single submitter. Criteria: Ambry Variant Classification Scheme 2023. Collection method: clinical testing. Allele origin: germline.

Blueprint Genetics
Classification: Likely benign. Last evaluated: 2024-11-06. Review status: criteria provided, single submitter. Criteria: ACMG Guidelines, 2015. Collection method: clinical testing. Allele origin: germline.

Breakthrough Genomics
Classification: Likely benign. Review status: criteria provided, single submitter. Criteria: ACMG Guidelines, 2015. Collection method: not provided. Allele origin: germline. Inheritance: Autosomal dominant inheritance. Affected: yes.

PreventionGenetics, part of Exact Sciences
Classification: Benign for FZD2-related condition. Last evaluated: 2019-09-26. Review status: no assertion criteria provided. Collection method: clinical testing. Allele origin: germline. Not counted in ClinVar's aggregate classification.
Comment: This variant is classified as benign based on ACMG/AMP sequence variant interpretation guidelines (Richards et al. 2015 PMID: 25741868, with internal and published modifications).

NM_001466.4(FZD2):c.38C>T (p.Pro13Leu)

Gene: FZD2 (frizzled class receptor 2; plus strand). Cytogenetic location: 17q21.31.
Variant type: single nucleotide variant.
Coding change: c.38C>T on transcript NM_001466.4 (MANE Select); coding-DNA position 38, C replaced by T.
Protein change: p.Pro13Leu; replaces proline 13 with leucine.
Molecular consequence: missense variant.
Genome position (GRCh38, 1-based): chr17:44,557,726, C>T. VCF-style: chr17-44557726-C-T. GRCh37 (hg19) VCF-style: chr17-42635094-C-T.
Other names: short protein forms P13L.
Identifiers: ClinVar variation 782157 (VCV000782157.15), dbSNP rs150027138, ClinGen allele CA8604598.
Genomic context (GRCh38, chr17:44,557,726, plus strand): 5'-CCGGGTGGGGGGCGGCGGCCAGCATGCGGCCCCGCAGCGCCCTGCCCCGCCTGCTGCTGC[C>T]GCTGCTGCTGCTGCCCGCCGCCGGGCCGGCCCAGTTCCACGGGGAGAAGGGCATCTCCAT-3'
Protein context (NP_001457.1, residues 3-23): PRSALPRLLL[Pro13Leu]LLLLPAAGPA